The following is an entry in ClinVar:

NM_001370466.1(NOD2):c.2802-9T>A

Gene: NOD2 (nucleotide binding oligomerization domain containing 2; plus strand). Cytogenetic location: 16q12.1.
Variant type: single nucleotide variant.
Coding change: c.2802-9T>A on transcript NM_001370466.1 (MANE Select); 9 bases into the intron before coding-DNA position 2802, T replaced by A.
Molecular consequence: intron variant.
Genome position (GRCh38, 1-based): chr16:50,725,480, T>A. VCF-style: chr16-50725480-T-A. GRCh37 (hg19) VCF-style: chr16-50759391-T-A.
Other names: c.2883-9T>A (NM_022162.3); c.2802-9T>A (NM_001293557.2).
Identifiers: ClinVar variation 569697 (VCV000569697.13), dbSNP rs750873269, ClinGen allele CA495476960.
Genomic context (GRCh38, chr16:50,725,480, plus strand): 5'-GGCATGTGAGTTCATCATCTTCCATAATCAATGTTGTATCAACTGGATTTTCTCTCTTCT[T>A]CTCACCAGCCTGGAGGAGAACCATCTCCAGGATGAAGGTGTATGTTCTCTCGCAGAAGGA-3'

ClinVar aggregate classification (germline): Conflicting classifications of pathogenicity. Review status: criteria provided, conflicting classifications (1 of 4 stars). 3 submissions from 3 submitters: Uncertain significance (1); Likely benign (2). Last evaluated 2025-01-09.

Conditions:
Blau syndrome (BLAUS). Also called: ARTHROCUTANEOUVEAL GRANULOMATOSIS; GRANULOMATOSIS, FAMILIAL JUVENILE SYSTEMIC; GRANULOMATOSIS, FAMILIAL, BLAU TYPE; GRANULOMATOUS INFLAMMATORY ARTHRITIS, DERMATITIS, AND UVEITIS, FAMILIAL; JABS SYNDROME. Identifiers: Orphanet 90340, MedGen C5201146, MONDO:0008523, OMIM 186580.
Regional enteritis. Also called: Enteritis, Granulomatous. Identifiers: MedGen C0678202, MeSH D003424.

Allele frequency attached by ClinVar (database versions not stated): gnomAD exomes 0.00001; TOPMed 0.00001.
gnomAD v4.1: 19 of 1,610,298 alleles (0.0012%); highest among the groups gnomAD compares: Non-Finnish European, 0.0016%; no homozygotes.

Submissions (3):

Women's Health and Genetics/Laboratory Corporation of America, LabCorp
Classification: Likely benign. Last evaluated: 2025-01-09. Review status: criteria provided, single submitter. Criteria: LabCorp Variant Classification Summary - May 2015. Collection method: clinical testing. Allele origin: germline.
Comment: Variant summary: NOD2 c.2883-9T>A alters a nucleotide located at a position not widely known to affect splicing. Consensus agreement among computation tools predict no significant impact on normal splicing. However, these predictions have yet to be confirmed by functional studies. The variant was absent in 250872 control chromosomes. The available data on variant occurrences in the general population are insufficient to allow any conclusion about variant significance. To our knowledge, no occurrence of c.2883-9T>A in individuals affected with NOD2-Related Disorders and no experimental evidence demonstrating its impact on protein function have been reported. ClinVar contains an entry for this variant (Variation ID: 569697). Based on the evidence outlined above, the variant was classified as likely benign.

Blueprint Genetics
Classification: Uncertain significance. Last evaluated: 2024-09-12. Review status: criteria provided, single submitter. Criteria: ACMG Guidelines, 2015. Collection method: clinical testing. Allele origin: germline.

Labcorp Genetics (formerly Invitae), Labcorp
Classification: Likely benign for Regional enteritis; Blau syndrome. Last evaluated: 2023-10-16. Review status: criteria provided, single submitter. Criteria: Invitae Variant Classification Sherloc (09022015). Collection method: clinical testing. Allele origin: germline.